The following is an entry in ClinVar:

ClinVar aggregate classification (germline): Uncertain significance (1 of 4 stars; one submission).

Allele frequency attached by ClinVar (database versions not stated): gnomAD exomes below 0.00001.
gnomAD v4.1: 2 of 1,612,980 alleles (0.00012%); highest among the groups gnomAD compares: South Asian, 0.0011%; no homozygotes.

Submission:

Labcorp Genetics (formerly Invitae), Labcorp
Classification: Uncertain significance. Last evaluated: 2022-10-07. Review status: criteria provided, single submitter. Criteria: Invitae Variant Classification Sherloc (09022015). Collection method: clinical testing. Allele origin: germline.
Comment: This sequence change replaces arginine, which is basic and polar, with tryptophan, which is neutral and slightly polar, at codon 968 of the USP7 protein (p.Arg968Trp). This variant is not present in population databases (gnomAD no frequency). This variant has not been reported in the literature in individuals affected with USP7-related conditions. Algorithms developed to predict the effect of missense changes on protein structure and function (SIFT, PolyPhen-2, Align-GVGD) all suggest that this variant is likely to be disruptive. In summary, the available evidence is currently insufficient to determine the role of this variant in disease. Therefore, it has been classified as a Variant of Uncertain Significance.

NM_003470.3(USP7):c.2902C>T (p.Arg968Trp)

Gene: USP7 (ubiquitin specific peptidase 7; minus strand). Cytogenetic location: 16p13.2.
Variant type: single nucleotide variant.
Coding change: c.2902C>T on transcript NM_003470.3 (MANE Select); coding-DNA position 2902, C replaced by T.
Protein change: p.Arg968Trp; replaces arginine 968 with tryptophan.
Molecular consequence: missense variant. On other transcripts: non-coding transcript variant (1).
Genome position (GRCh38, 1-based): chr16:8,895,659, G>A on the plus strand (C>T on the coding strand, the complement: USP7 is on the minus strand). VCF-style: chr16-8895659-G-A. GRCh37 (hg19) VCF-style: chr16-8989516-G-A.
Other names: c.2854C>T, p.Arg952Trp (NM_001286457.2); c.2605C>T, p.Arg869Trp (NM_001286458.2); c.2728C>T, p.Arg910Trp (NM_001321858.2); short protein forms R869W, R910W, R952W, R968W.
Identifiers: ClinVar variation 1719511 (VCV001719511.5), dbSNP rs2061670075, ClinGen allele CA394696120.